The following is an entry in ClinVar:

ClinVar aggregate classification (germline): Uncertain significance (1 of 4 stars; one submission).

gnomAD v4.1: 16 of 1,614,092 alleles (0.00099%); highest among the groups gnomAD compares: East Asian, 0.031%; no homozygotes.

Submission:

Labcorp Genetics (formerly Invitae), Labcorp
Classification: Uncertain significance. Last evaluated: 2024-02-10. Review status: criteria provided, single submitter. Criteria: Invitae Variant Classification Sherloc (09022015). Collection method: clinical testing. Allele origin: germline.
Comment: This sequence change replaces serine, which is neutral and polar, with threonine, which is neutral and polar, at codon 174 of the UNC119 protein (p.Ser174Thr). This variant is present in population databases (rs199723120, gnomAD 0.03%). This variant has not been reported in the literature in individuals affected with UNC119-related conditions. An algorithm developed to predict the effect of missense changes on protein structure and function (PolyPhen-2) suggests that this variant is likely to be disruptive. In summary, the available evidence is currently insufficient to determine the role of this variant in disease. Therefore, it has been classified as a Variant of Uncertain Significance.

NM_005148.4(UNC119):c.521G>C (p.Ser174Thr)

Gene: UNC119 (unc-119 lipid binding chaperone; minus strand). Cytogenetic location: 17q11.2.
Variant type: single nucleotide variant.
Coding change: c.521G>C on transcript NM_005148.4 (MANE Select); coding-DNA position 521, G replaced by C.
Protein change: p.Ser174Thr; replaces serine 174 with threonine.
Molecular consequence: missense variant.
Genome position (GRCh38, 1-based): chr17:28,547,766, C>G on the plus strand (G>C on the coding strand, the complement: UNC119 is on the minus strand). VCF-style: chr17-28547766-C-G. GRCh37 (hg19) VCF-style: chr17-26874784-C-G.
Other names: c.236G>C, p.Ser79Thr (NM_001330166.2); c.521G>C, p.Ser174Thr (NM_054035.2); short protein forms S174T, S79T.
Identifiers: ClinVar variation 3610563 (VCV003610563.2).